The following is an entry in ClinVar:

NM_000258.3(MYL3):c.426G>A (p.Lys142=)

Gene: MYL3 (myosin light chain 3; minus strand). Cytogenetic location: 3p21.31.
Variant type: single nucleotide variant.
Coding change: c.426G>A on transcript NM_000258.3 (MANE Select); coding-DNA position 426, G replaced by A.
Protein change: p.Lys142=; no amino-acid change (lysine 142 retained).
Molecular consequence: synonymous variant.
Genome position (GRCh38, 1-based): chr3:46,859,530, C>T on the plus strand (G>A on the coding strand, the complement: MYL3 is on the minus strand). VCF-style: chr3-46859530-C-T. GRCh37 (hg19) VCF-style: chr3-46901020-C-T.
Identifiers: ClinVar variation 918513 (VCV000918513.10), dbSNP rs1435096286, ClinGen allele CA433474387.
Genomic context (GRCh38, chr3:46,859,530, plus strand): 5'-CTCACCCAGCGTGGCCAGCACGTGGCGAAGCTCAGCACCCATGACAGTGCCATTGCCCTC[C>T]TTGTCGAAGACCCGCAGCCCCTCCACGAAGTCCTCATAGGTGCCTGTGTCCTTGTTCTTG-3'
Protein context (NP_000249.1, residues 132-152): DFVEGLRVFD[Lys142=]EGNGTVMGAE

ClinVar aggregate classification (germline): Likely benign. Review status: criteria provided, multiple submitters, no conflicts (2 of 4 stars). 3 submissions from 3 submitters: Likely benign (3). Last evaluated 2024-05-25.

Conditions:
Cardiomyopathy (CMYO). Also called: Cardiomyopathies. Identifiers: Orphanet 167848, MedGen C0878544, MONDO:0004994, HP:0001638. Inheritance: Various modes of inheritance.
Hypertrophic cardiomyopathy. Also called: HYPERTROPHIC MYOCARDIOPATHY. Identifiers: Orphanet 217569, MedGen C0007194, MeSH D002312, MONDO:0005045, HP:0001639.

Allele frequency attached by ClinVar (database versions not stated): gnomAD exomes below 0.00001; gnomAD 0.00001; TOPMed 0.00002.
gnomAD v4.1: 4 of 1,614,104 alleles (0.00025%); highest among the groups gnomAD compares: Admixed American, 0.0017%; no homozygotes.

Submissions (3):

Labcorp Genetics (formerly Invitae), Labcorp
Classification: Likely benign for Hypertrophic cardiomyopathy. Last evaluated: 2024-05-25. Review status: criteria provided, single submitter. Criteria: Invitae Variant Classification Sherloc (09022015). Collection method: clinical testing. Allele origin: germline.

All of Us Research Program, National Institutes of Health
Classification: Likely benign for Hypertrophic cardiomyopathy. Last evaluated: 2023-11-30. Review status: criteria provided, single submitter. Criteria: ACMG Guidelines, 2015. Collection method: clinical testing. Allele origin: germline. Inheritance: Autosomal dominant inheritance. Observed: 1 variant allele, 1 heterozygote.
Comment: This study involves interpretation of variants in research participants for the purpose of population health screening. Participant phenotype was not available at the time of variant classification. Additional details can be found in publication PMID: 35346344, PMCID: PMC8962531

Color Diagnostics, LLC DBA Color Health
Classification: Likely benign for Cardiomyopathy. Last evaluated: 2018-11-27. Review status: criteria provided, single submitter. Criteria: ACMG Guidelines, 2015. Collection method: clinical testing. Allele origin: germline.